The following is an entry in ClinVar:

ClinVar aggregate classification (germline): Uncertain significance (1 of 4 stars; one submission).

gnomAD v4.1: 7 of 1,612,010 alleles (0.00043%); highest among the groups gnomAD compares: Non-Finnish European, 0.00059%; no homozygotes.

Submission:

Labcorp Genetics (formerly Invitae), Labcorp
Classification: Uncertain significance. Last evaluated: 2025-06-10. Review status: criteria provided, single submitter. Criteria: Invitae Variant Classification Sherloc (09022015). Collection method: clinical testing. Allele origin: germline.
Comment: This sequence change replaces glutamine, which is neutral and polar, with lysine, which is basic and polar, at codon 525 of the IL23R protein (p.Gln525Lys). The frequency data for this variant in the population databases is considered unreliable, as metrics indicate poor data quality at this position in the gnomAD database. This variant has not been reported in the literature in individuals affected with IL23R-related conditions. An algorithm developed to predict the effect of missense changes on protein structure and function outputs the following: PolyPhen-2: "Benign". The lysine amino acid residue is found in multiple mammalian species, which suggests that this missense change does not adversely affect protein function. In summary, the available evidence is currently insufficient to determine the role of this variant in disease. Therefore, it has been classified as a Variant of Uncertain Significance.

NM_144701.3(IL23R):c.1573C>A (p.Gln525Lys)

Gene: IL23R (interleukin 23 receptor; plus strand). Cytogenetic location: 1p31.3.
Variant type: single nucleotide variant.
Coding change: c.1573C>A on transcript NM_144701.3 (MANE Select); coding-DNA position 1573, C replaced by A.
Protein change: p.Gln525Lys; replaces glutamine 525 with lysine.
Molecular consequence: missense variant.
Genome position (GRCh38, 1-based): chr1:67,258,811, C>A. VCF-style: chr1-67258811-C-A. GRCh37 (hg19) VCF-style: chr1-67724494-C-A.
Other names: short protein forms Q525K.
Identifiers: ClinVar variation 4699420 (VCV004699420.1).